The following is an entry in ClinVar:

ClinVar aggregate classification (germline): Uncertain significance (1 of 4 stars; one submission).

Conditions:
Muscular dystrophy-dystroglycanopathy (congenital with brain and eye anomalies), type a, 11 (MDDGA11). Also called: WALKER-WARBURG SYNDROME OR MUSCLE-EYE-BRAIN DISEASE, B3GALNT2-RELATED; Muscular dystrophy-dystroglycanopathy (congenital with brain and eye anomalies, type A, 11; Congenital muscular dystrophy-dystroglycanopathy with brain and eye anomalies, type A11. Identifiers: Orphanet 588, Orphanet 899, MedGen C3554638, MONDO:0014071, OMIM 615181.

Submission:

Labcorp Genetics (formerly Invitae), Labcorp
Classification: Uncertain significance for Muscular dystrophy-dystroglycanopathy (congenital with brain and eye anomalies), type a, 11. Last evaluated: 2023-10-03. Review status: criteria provided, single submitter. Criteria: Invitae Variant Classification Sherloc (09022015). Collection method: clinical testing. Allele origin: germline.
Comment: This sequence change replaces aspartic acid, which is acidic and polar, with glycine, which is neutral and non-polar, at codon 245 of the B3GALNT2 protein (p.Asp245Gly). This variant is not present in population databases (gnomAD no frequency). This variant has not been reported in the literature in individuals affected with B3GALNT2-related conditions. ClinVar contains an entry for this variant (Variation ID: 1390953). Advanced modeling of protein sequence and biophysical properties (such as structural, functional, and spatial information, amino acid conservation, physicochemical variation, residue mobility, and thermodynamic stability) performed at Invitae indicates that this missense variant is not expected to disrupt B3GALNT2 protein function. In summary, the available evidence is currently insufficient to determine the role of this variant in disease. Therefore, it has been classified as a Variant of Uncertain Significance.

NM_152490.5(B3GALNT2):c.734A>G (p.Asp245Gly)

Gene: B3GALNT2 (beta-1,3-N-acetylgalactosaminyltransferase 2; minus strand). Cytogenetic location: 1q42.3.
Variant type: single nucleotide variant.
Coding change: c.734A>G on transcript NM_152490.5 (MANE Select); coding-DNA position 734, A replaced by G.
Protein change: p.Asp245Gly; replaces aspartic acid 245 with glycine.
Molecular consequence: missense variant.
Genome position (GRCh38, 1-based): chr1:235,470,878, T>C on the plus strand (A>G on the coding strand, the complement: B3GALNT2 is on the minus strand). VCF-style: chr1-235470878-T-C. GRCh37 (hg19) VCF-style: chr1-235634192-T-C.
Other names: c.857A>G, p.Asp286Gly (NM_001277155.3); short protein forms D245G, D286G.
Identifiers: ClinVar variation 1390953 (VCV001390953.6), dbSNP rs1683966257, ClinGen allele CA344919904.